The following is an entry in ClinVar:

ClinVar aggregate classification (germline): Uncertain significance. Review status: criteria provided, multiple submitters, no conflicts (2 of 4 stars). 2 submissions from 2 submitters: Uncertain significance (2). Last evaluated 2025-09-17.

Conditions:
Atrial fibrillation, familial, 11 (ATFB11). Identifiers: MedGen C3279693, MONDO:0013544, OMIM 614049.
Atrial standstill 1 (ATRST1). Also called: Atrial standstill, digenic (GJA5/SCN5A); ATRIAL CARDIOMYOPATHY WITH HEART BLOCK; CARDIOMYOPATHY, FAMILIAL, WITH CONDUCTION DISTURBANCE. Identifiers: Orphanet 1344, MedGen C4551959, MONDO:0007171, OMIM 108770.
Inborn genetic diseases. Identifiers: MedGen C0950123, MeSH D030342.

Allele frequency attached by ClinVar (database versions not stated): gnomAD 0.00001; gnomAD exomes 0.00001; TOPMed 0.00001.
gnomAD v4.1: 14 of 1,613,962 alleles (0.00087%); highest among the groups gnomAD compares: Non-Finnish European, 0.0012%; no homozygotes.

Submissions (2):

Labcorp Genetics (formerly Invitae), Labcorp
Classification: Uncertain significance for Atrial fibrillation, familial, 11; Atrial standstill 1. Last evaluated: 2025-09-17. Review status: criteria provided, single submitter. Criteria: Invitae Variant Classification Sherloc (09022015). Collection method: clinical testing. Allele origin: germline.
Comment: This sequence change replaces glycine, which is neutral and non-polar, with valine, which is neutral and non-polar, at codon 318 of the GJA5 protein (p.Gly318Val). This variant is present in population databases (rs782221270, gnomAD 0.002%). This variant has not been reported in the literature in individuals affected with GJA5-related conditions. ClinVar contains an entry for this variant (Variation ID: 1478969). An algorithm developed to predict the effect of missense changes on protein structure and function (PolyPhen-2) suggests that this variant is likely to be tolerated. In summary, the available evidence is currently insufficient to determine the role of this variant in disease. Therefore, it has been classified as a Variant of Uncertain Significance.

Ambry Genetics
Classification: Uncertain significance for Inborn genetic diseases. Last evaluated: 2024-12-09. Review status: criteria provided, single submitter. Criteria: Ambry Variant Classification Scheme 2023. Collection method: clinical testing. Allele origin: germline.

NM_181703.4(GJA5):c.953G>T (p.Gly318Val)

Gene: GJA5 (gap junction protein alpha 5; minus strand). Cytogenetic location: 1q21.2.
Variant type: single nucleotide variant.
Coding change: c.953G>T on transcript NM_181703.4 (MANE Select); coding-DNA position 953, G replaced by T.
Protein change: p.Gly318Val; replaces glycine 318 with valine.
Molecular consequence: missense variant.
Genome position (GRCh38, 1-based): chr1:147,758,286, C>A on the plus strand (G>T on the coding strand, the complement: GJA5 is on the minus strand). VCF-style: chr1-147758286-C-A. GRCh37 (hg19) VCF-style: chr1-147230394-C-A.
Other names: c.953G>T, p.Gly318Val (NM_005266.7); c.953G>T (NM_005266.5); short protein forms G318V.
Identifiers: ClinVar variation 1478969 (VCV001478969.9), dbSNP rs782221270, ClinGen allele CA30068363.
Genomic context (GRCh38, chr1:147,758,286, plus strand): 5'-TGATAGCCATGGGGAAGGCGGTGACCTGGTGAGACTCCATTGGGCACCTCAGGCTTCTGG[C>A]CATAACGAACCTGGATGAAACCTTCCCCAGGAGTCTGCTCCTGACCTCGTACTTGCTCGG-3'
Protein context (NP_859054.1, residues 308-328): PGEGFIQVRY[Gly318Val]QKPEVPNGVS